The following is an entry in ClinVar:

NM_000256.3(MYBPC3):c.1090+2T>G

Gene: MYBPC3 (myosin binding protein C3; minus strand). Cytogenetic location: 11p11.2.
Variant type: single nucleotide variant.
Coding change: c.1090+2T>G on transcript NM_000256.3 (MANE Select); the canonical splice donor site of the intron after coding-DNA position 1090, T replaced by G.
Molecular consequence: splice donor variant.
Genome position (GRCh38, 1-based): chr11:47,346,205, A>C on the plus strand (T>G on the coding strand, the complement: MYBPC3 is on the minus strand). VCF-style: chr11-47346205-A-C. GRCh37 (hg19) VCF-style: chr11-47367756-A-C.
Identifiers: ClinVar variation 181059 (VCV000181059.2), dbSNP rs730880634, ClinGen allele CA009758.

ClinVar aggregate classification (germline): Pathogenic (1 of 4 stars; one submission).

Submission:

GeneDx
Classification: Pathogenic. Last evaluated: 2013-05-16. Review status: criteria provided, single submitter. Criteria: GeneDx Variant Classification (06012015). Collection method: clinical testing. Allele origin: germline. Affected: yes.
Comment: c.1090+2 T>G: IVS12+2 T>G in intron 12 of the MYBPC3 gene (NM_000256.3)Although the c.1090+2 T>G mutation has not been reported as a disease-causing mutation or as a benign polymorphism to our knowledge, this mutation destroys the canonical splice donor site in intron 12 and is predicted to cause abnormal gene splicing. The mutation is predicted to lead to either an abnormal message that is subject to nonsense-mediated mRNA decay, or to an abnormal protein product if the message is used for protein translation. Other splice site mutations in the MYBPC3 gene have been reported in association with HCM.In summary, c.1090+2 T>G in the MYBPC3 gene is interpreted as a disease-causing mutation. Mutations in the MYBPC3 gene have been reported in 20%-30% of patients with autosomal dominant familial hypertrophic cardiomyopathy, and have been reported less frequently in patients with autosomal dominant familial dilated cardiomyopathy (Cirino A et al., 2011; Hershberger R et al., 2009). The variant is found in HCM panel(s).